The following is an entry in ClinVar:

ClinVar aggregate classification (germline): Uncertain significance (1 of 4 stars; one submission).

Conditions:
Developmental and epileptic encephalopathy 94 (DEE94). Also called: CHD2-Related Neurodevelopmental Disorders; Epileptic encephalopathy, childhood-onset. Identifiers: Orphanet 1942, Orphanet 2382, MedGen C3809278, MONDO:0014150, OMIM 615369.

Submission:

Labcorp Genetics (formerly Invitae), Labcorp
Classification: Uncertain significance for Developmental and epileptic encephalopathy 94. Last evaluated: 2023-05-22. Review status: criteria provided, single submitter. Criteria: Invitae Variant Classification Sherloc (09022015). Collection method: clinical testing. Allele origin: germline.
Comment: Advanced modeling of protein sequence and biophysical properties (such as structural, functional, and spatial information, amino acid conservation, physicochemical variation, residue mobility, and thermodynamic stability) has been performed at Invitae for this missense variant, however the output from this modeling did not meet the statistical confidence thresholds required to predict the impact of this variant on CHD2 protein function. ClinVar contains an entry for this variant (Variation ID: 1023575). This variant has not been reported in the literature in individuals affected with CHD2-related conditions. This variant is not present in population databases (gnomAD no frequency). This sequence change replaces leucine, which is neutral and non-polar, with arginine, which is basic and polar, at codon 1533 of the CHD2 protein (p.Leu1533Arg). In summary, the available evidence is currently insufficient to determine the role of this variant in disease. Therefore, it has been classified as a Variant of Uncertain Significance.

NM_001271.4(CHD2):c.4598T>G (p.Leu1533Arg)

Gene: CHD2 (chromodomain helicase DNA binding protein 2; plus strand). Cytogenetic location: 15q26.1.
Variant type: single nucleotide variant.
Coding change: c.4598T>G on transcript NM_001271.4 (MANE Select); coding-DNA position 4598, T replaced by G.
Protein change: p.Leu1533Arg; replaces leucine 1533 with arginine.
Molecular consequence: missense variant.
Genome position (GRCh38, 1-based): chr15:93,012,350, T>G. VCF-style: chr15-93012350-T-G. GRCh37 (hg19) VCF-style: chr15-93555580-T-G.
Other names: short protein forms L1533R.
Identifiers: ClinVar variation 1023575 (VCV001023575.9), dbSNP rs2054404153, ClinGen allele CA393904920.